The following is an entry in ClinVar:

NM_000204.5(CFI):c.417C>A (p.Phe139Leu)

Gene: CFI (complement factor I; minus strand). Cytogenetic location: 4q25.
Variant type: single nucleotide variant.
Coding change: c.417C>A on transcript NM_000204.5 (MANE Select); coding-DNA position 417, C replaced by A.
Protein change: p.Phe139Leu; replaces phenylalanine 139 with leucine.
Molecular consequence: missense variant. On other transcripts: non-coding transcript variant (3), intron variant (1).
Genome position (GRCh38, 1-based): chr4:109,764,602, G>T on the plus strand (C>A on the coding strand, the complement: CFI is on the minus strand). VCF-style: chr4-109764602-G-T. GRCh37 (hg19) VCF-style: chr4-110685758-G-T.
Other names: c.417C>A, p.Phe139Leu (NM_001318057.2, NM_001331035.2, NM_001375278.1 and 5 more transcripts); c.-127-2910C>A (NM_001375284.1); short protein forms F139L.
Identifiers: ClinVar variation 2772520 (VCV002772520.3), dbSNP rs2545450217, ClinGen allele CA357863942.

ClinVar aggregate classification (germline): Uncertain significance (1 of 4 stars; one submission).

Submission:

Labcorp Genetics (formerly Invitae), Labcorp
Classification: Uncertain significance. Last evaluated: 2023-11-07. Review status: criteria provided, single submitter. Criteria: Invitae Variant Classification Sherloc (09022015). Collection method: clinical testing. Allele origin: germline.
Comment: This sequence change replaces phenylalanine, which is neutral and non-polar, with leucine, which is neutral and non-polar, at codon 139 of the CFI protein (p.Phe139Leu). This variant is not present in population databases (gnomAD no frequency). This variant has not been reported in the literature in individuals affected with CFI-related conditions. Advanced modeling of protein sequence and biophysical properties (such as structural, functional, and spatial information, amino acid conservation, physicochemical variation, residue mobility, and thermodynamic stability) performed at Invitae indicates that this missense variant is not expected to disrupt CFI protein function with a negative predictive value of 95%. In summary, the available evidence is currently insufficient to determine the role of this variant in disease. Therefore, it has been classified as a Variant of Uncertain Significance.